The following is an entry in ClinVar:

NM_000245.4(MET):c.2851T>G (p.Phe951Val)

Gene: MET (MET proto-oncogene, receptor tyrosine kinase; plus strand). Cytogenetic location: 7q31.2.
Variant type: single nucleotide variant.
Coding change: c.2851T>G on transcript NM_000245.4 (MANE Select); coding-DNA position 2851, T replaced by G.
Protein change: p.Phe951Val; replaces phenylalanine 951 with valine.
Molecular consequence: missense variant.
Genome position (GRCh38, 1-based): chr7:116,771,618, T>G. VCF-style: chr7-116771618-T-G. GRCh37 (hg19) VCF-style: chr7-116411672-T-G.
Other names: c.2905T>G, p.Phe969Val (NM_001127500.3); c.1561T>G, p.Phe521Val (NM_001324402.2); short protein forms F521V, F969V, F951V.
Identifiers: ClinVar variation 1797504 (VCV001797504.2), dbSNP rs756670611, ClinGen allele CA368986684.
Genomic context (GRCh38, chr7:116,771,618, plus strand): 5'-TTCACAGGATTGATTGCTGGTGTTGTCTCAATATCAACAGCACTGTTATTACTACTTGGG[T>G]TTTTCCTGTGGCTGAAAAAGAGAAAGCAAATTAAAGGTGCATTTTTGTTACTGTTCATTT-3'
Protein context (NP_000236.2, residues 941-961): ISTALLLLLG[Phe951Val]FLWLKKRKQI

ClinVar aggregate classification (germline): Uncertain significance (1 of 4 stars; one submission).

Conditions:
Hereditary cancer-predisposing syndrome. Also called: Neoplastic Syndromes, Hereditary; Tumor predisposition; Hereditary Cancer Syndrome; Hereditary neoplastic syndrome. Identifiers: Orphanet 140162, MedGen C0027672, MeSH D009386, MONDO:0015356.

Submission:

Ambry Genetics
Classification: Uncertain significance for Hereditary cancer-predisposing syndrome. Last evaluated: 2021-05-03. Review status: criteria provided, single submitter. Criteria: Ambry Variant Classification Scheme 2023. Collection method: clinical testing. Allele origin: germline.
Comment: The p.F969V variant (also known as c.2905T>G), located in coding exon 12 of the MET gene, results from a T to G substitution at nucleotide position 2905. The phenylalanine at codon 969 is replaced by valine, an amino acid with highly similar properties. This amino acid position is poorly conserved in available vertebrate species. In addition, this alteration is predicted to be tolerated by in silico analysis. Since supporting evidence is limited at this time, the clinical significance of this alteration remains unclear.